The following is an entry in ClinVar:

ClinVar aggregate classification (germline): Likely benign. Review status: criteria provided, multiple submitters, no conflicts (2 of 4 stars). 3 submissions from 3 submitters: Likely benign (3). Last evaluated 2025-06-18.

Conditions:
Hereditary cancer-predisposing syndrome. Also called: Hereditary Cancer Syndrome; Neoplastic Syndromes, Hereditary; Tumor predisposition; Hereditary neoplastic syndrome. Identifiers: Orphanet 140162, MedGen C0027672, MeSH D009386, MONDO:0015356.
Rhabdoid tumor predisposition syndrome 2 (RTPS2). Identifiers: Orphanet 231108, Orphanet 69077, MedGen C2750074, MONDO:0013224, OMIM 613325.

Submissions (3):

Labcorp Genetics (formerly Invitae), Labcorp
Classification: Likely benign for Rhabdoid tumor predisposition syndrome 2. Last evaluated: 2025-06-18. Review status: criteria provided, single submitter. Criteria: Invitae Variant Classification Sherloc (09022015). Collection method: clinical testing. Allele origin: germline.

Ambry Genetics
Classification: Likely benign for Hereditary cancer-predisposing syndrome. Last evaluated: 2023-05-27. Review status: criteria provided, single submitter. Criteria: Ambry Variant Classification Scheme 2023. Collection method: clinical testing. Allele origin: germline.

GeneDx
Classification: Likely benign. Last evaluated: 2017-11-03. Review status: criteria provided, single submitter. Criteria: GeneDx Variant Classification (06012015). Collection method: clinical testing. Allele origin: germline. Affected: yes.
Comment: This variant is considered likely benign or benign based on one or more of the following criteria: it is a conservative change, it occurs at a poorly conserved position in the protein, it is predicted to be benign by multiple in silico algorithms, and/or has population frequency not consistent with disease.

NM_003072.5(SMARCA4):c.3516C>T (p.Ile1172=)

Gene: SMARCA4 (SWI/SNF related BAF chromatin remodeling complex subunit ATPase 4; plus strand). Cytogenetic location: 19p13.2.
Variant type: single nucleotide variant.
Coding change: c.3516C>T on transcript NM_003072.5 (MANE Select); coding-DNA position 3516, C replaced by T.
Protein change: p.Ile1172=; no amino-acid change (isoleucine 1172 retained).
Molecular consequence: synonymous variant. On other transcripts: non-coding transcript variant (1).
Genome position (GRCh38, 1-based): chr19:11,030,863, C>T. VCF-style: chr19-11030863-C-T. GRCh37 (hg19) VCF-style: chr19-11141539-C-T.
Other names: c.3516C>T, p.Ile1172= (NM_001128844.3, NM_001128845.2, NM_001128846.2 and 5 more transcripts).
Identifiers: ClinVar variation 513159 (VCV000513159.10), dbSNP rs769327965, ClinGen allele CA505492453.
Genomic context (GRCh38, chr19:11,030,863, plus strand): 5'-CCTGCTCAGCACCCGGGCTGGGGGGCTCGGCCTGAACCTCCAGTCGGCAGACACTGTGAT[C>T]ATTTTTGACAGCGACTGGAATCCTCACCAGGTAAAAGCGGGCCGGGCCCCAGGTCGAGGA-3'
Protein context (NP_003063.2, residues 1162-1182): GLNLQSADTV[Ile1172=]IFDSDWNPHQ